The following is an entry in ClinVar:

NM_000497.4(CYP11B1):c.1397A>G (p.His466Arg)

Genes: CYP11B1 (cytochrome P450 family 11 subfamily B member 1; minus strand), LOC106799833 (CYP11B1 recombination region; plus strand). Cytogenetic location: 8q24.3.
Variant type: single nucleotide variant.
Coding change: c.1397A>G on transcript NM_000497.4 (MANE Select); coding-DNA position 1397, A replaced by G.
Protein change: p.His466Arg; replaces histidine 466 with arginine.
Molecular consequence: missense variant. On other transcripts: intron variant (1).
Genome position (GRCh38, 1-based): chr8:142,874,958, T>C on the plus strand (A>G on the coding strand, the complement: CYP11B1 is on the minus strand). VCF-style: chr8-142874958-T-C. GRCh37 (hg19) VCF-style: chr8-143956374-T-C.
Other names: c.1200+276A>G (NM_001026213.1); short protein forms H466R.
Identifiers: ClinVar variation 4981488 (VCV004981488.1).

ClinVar aggregate classification (germline): Uncertain significance (1 of 4 stars; one submission).

Conditions:
CYP11B1-related disorder. Also called: CYP11B1-related condition.

gnomAD v4.1: 1 of 1,613,338 alleles (0.000062%); highest among the groups gnomAD compares: Non-Finnish European, 0.000085%; no homozygotes.

Submission:

PreventionGenetics, part of Exact Sciences
Classification: Uncertain significance for CYP11B1-related condition. Last evaluated: 2026-05-26. Review status: criteria provided, single submitter. Criteria: ACMG Guidelines, 2015. Collection method: clinical testing. Allele origin: germline.
Comment: The CYP11B1 c.1397A>G variant is predicted to result in the amino acid substitution p.His466Arg. To our knowledge, this variant has not been reported in the literature or in a large population database (gnomAD), indicating this variant is rare. At this time, the clinical significance of this variant is uncertain due to the absence of conclusive functional and genetic evidence.